The following is an entry in ClinVar:

ClinVar aggregate classification (germline): Uncertain significance (1 of 4 stars; one submission).

Conditions:
CCDC141-related disorder. Also called: CCDC141-related condition.

gnomAD v4.1: 1 of 1,550,540 alleles (0.000064%); highest among the groups gnomAD compares: Non-Finnish European, 0.000087%; no homozygotes.

Submission:

PreventionGenetics, part of Exact Sciences
Classification: Uncertain significance for CCDC141-related condition. Last evaluated: 2026-02-07. Review status: criteria provided, single submitter. Criteria: ACMG Guidelines, 2015. Collection method: clinical testing. Allele origin: germline.
Comment: The CCDC141 c.635G>A variant is predicted to result in the amino acid substitution p.Gly212Glu. To our knowledge, this variant has not been reported in the literature or in a large population database (gnomAD), indicating this variant is rare. At this time, the clinical significance of this variant is uncertain due to the absence of conclusive functional and genetic evidence.

NM_173648.4(CCDC141):c.635G>A (p.Gly212Glu)

Gene: CCDC141 (coiled-coil domain containing 141; minus strand). Cytogenetic location: 2q31.2.
Variant type: single nucleotide variant.
Coding change: c.635G>A on transcript NM_173648.4 (MANE Select); coding-DNA position 635, G replaced by A.
Protein change: p.Gly212Glu; replaces glycine 212 with glutamic acid.
Molecular consequence: missense variant.
Genome position (GRCh38, 1-based): chr2:178,961,375, C>T on the plus strand (G>A on the coding strand, the complement: CCDC141 is on the minus strand). VCF-style: chr2-178961375-C-T. GRCh37 (hg19) VCF-style: chr2-179826102-C-T.
Other names: c.635G>A, p.Gly212Glu (NM_001316745.2); short protein forms G212E.
Identifiers: ClinVar variation 4993230 (VCV004993230.1).